The following is an entry in ClinVar:

ClinVar aggregate classification (germline): Likely benign. Review status: criteria provided, multiple submitters, no conflicts (2 of 4 stars). 2 submissions from 2 submitters: Likely benign (2). Last evaluated 2024-01-11.

Conditions:
RYR1-related disorder. Also called: RYR1-related condition; RYR1-related disorders. Identifiers: MedGen CN239331.
Malignant hyperthermia, susceptibility to, 1 (MHS1). Also called: Anesthesia related hyperthermia; Malignant hyperpyrexia; Fulminating hyperpyrexia; Pharmacogenic myopathy; Malignant hyperthermia suceptibility 1; RYR1-Related Malignant Hyperthermia Susceptibility. Identifiers: Orphanet 423, MedGen C2930980, MONDO:0007783, OMIM 145600.

Allele frequency attached by ClinVar (database versions not stated): gnomAD exomes below 0.00001.
gnomAD v4.1: 2 of 1,613,522 alleles (0.00012%); highest among the groups gnomAD compares: South Asian, 0.0011%; no homozygotes.

Submissions (2):

All of Us Research Program, National Institutes of Health
Classification: Likely benign for Malignant hyperthermia, susceptibility to, 1. Last evaluated: 2024-01-11. Review status: criteria provided, single submitter. Criteria: ACMG Guidelines, 2015. Collection method: clinical testing. Allele origin: germline. Inheritance: Autosomal dominant inheritance. Observed: 2 variant alleles, 2 heterozygotes.
Comment: This study involves interpretation of variants in research participants for the purpose of population health screening. Participant phenotype was not available at the time of variant classification. Additional details can be found in publication PMID: 35346344, PMCID: PMC8962531

Labcorp Genetics (formerly Invitae), Labcorp
Classification: Likely benign for RYR1-related disorder. Last evaluated: 2023-07-25. Review status: criteria provided, single submitter. Criteria: Invitae Variant Classification Sherloc (09022015). Collection method: clinical testing. Allele origin: germline.

NM_000540.3(RYR1):c.13743T>C (p.Tyr4581=)

Gene: RYR1 (ryanodine receptor 1; plus strand). Cytogenetic location: 19q13.2.
Variant type: single nucleotide variant.
Coding change: c.13743T>C on transcript NM_000540.3 (MANE Select); coding-DNA position 13743, T replaced by C.
Protein change: p.Tyr4581=; no amino-acid change (tyrosine 4581 retained).
Molecular consequence: synonymous variant.
Genome position (GRCh38, 1-based): chr19:38,570,690, T>C. VCF-style: chr19-38570690-T-C. GRCh37 (hg19) VCF-style: chr19-39061330-T-C.
Other names: c.13728T>C, p.Tyr4576= (NM_001042723.2).
Identifiers: ClinVar variation 698467 (VCV000698467.8), dbSNP rs1314705351, ClinGen allele CA507245036.